The following is an entry in ClinVar:

NM_007215.4(POLG2):c.64G>A (p.Gly22Arg)

Genes: MILR1 (mast cell immunoglobulin like receptor 1; plus strand), POLG2 (DNA polymerase gamma 2, accessory subunit; minus strand). Cytogenetic location: 17q23.3.
Variant type: single nucleotide variant.
Coding change: c.64G>A on transcript NM_007215.4 (MANE Select); coding-DNA position 64, G replaced by A.
Protein change: p.Gly22Arg; replaces glycine 22 with arginine.
Molecular consequence: missense variant.
Genome position (GRCh38, 1-based): chr17:64,496,905, C>T on the plus strand (G>A on the coding strand, the complement: POLG2 is on the minus strand). VCF-style: chr17-64496905-C-T. GRCh37 (hg19) VCF-style: chr17-62493023-C-T.
Other names: c.64G>A (NM_007215.3); short protein forms G22R.
Identifiers: ClinVar variation 1423918 (VCV001423918.10), dbSNP rs782194725, ClinGen allele CA8713098.

ClinVar aggregate classification (germline): Uncertain significance. Review status: criteria provided, multiple submitters, no conflicts (2 of 4 stars). 3 submissions from 3 submitters: Uncertain significance (3). Last evaluated 2025-08-26.

Conditions:
POLG2-related disorder. Also called: POLG2-related disorders; POLG2-related condition.

Allele frequency attached by ClinVar (database versions not stated): ExAC 0.00001; TOPMed 0.00003.
gnomAD v4.1: 28 of 1,612,718 alleles (0.0017%); highest among the groups gnomAD compares: Non-Finnish European, 0.0022%; no homozygotes.

Submissions (3):

Ambry Genetics
Classification: Uncertain significance. Last evaluated: 2025-08-26. Review status: criteria provided, single submitter. Criteria: Ambry Variant Classification Scheme 2023. Collection method: clinical testing. Allele origin: germline.

PreventionGenetics, part of Exact Sciences
Classification: Uncertain significance for POLG2-related condition. Last evaluated: 2025-03-28. Review status: criteria provided, single submitter. Criteria: ACMG Guidelines, 2015. Collection method: clinical testing. Allele origin: germline.
Comment: The POLG2 c.64G>A variant is predicted to result in the amino acid substitution p.Gly22Arg. To our knowledge, this variant has not been reported in the literature. This variant is reported in 0.0031% of alleles in individuals of European (Non-Finnish) descent in gnomAD. At this time, the clinical significance of this variant is uncertain due to the absence of conclusive functional and genetic evidence.

Labcorp Genetics (formerly Invitae), Labcorp
Classification: Uncertain significance. Last evaluated: 2024-08-17. Review status: criteria provided, single submitter. Criteria: Invitae Variant Classification Sherloc (09022015). Collection method: clinical testing. Allele origin: germline.
Comment: This sequence change replaces glycine, which is neutral and non-polar, with arginine, which is basic and polar, at codon 22 of the POLG2 protein (p.Gly22Arg). This variant is present in population databases (rs782194725, gnomAD 0.002%). This variant has not been reported in the literature in individuals affected with POLG2-related conditions. ClinVar contains an entry for this variant (Variation ID: 1423918). An algorithm developed to predict the effect of missense changes on protein structure and function (PolyPhen-2) suggests that this variant is likely to be disruptive. In summary, the available evidence is currently insufficient to determine the role of this variant in disease. Therefore, it has been classified as a Variant of Uncertain Significance.